The following is an entry in ClinVar:

ClinVar aggregate classification (germline): Likely pathogenic (1 of 4 stars; one submission).

Conditions:
Developmental and epileptic encephalopathy. Identifiers: MedGen C5779964, MONDO:0100620.

Submission:

Institute of Human Genetics, University of Leipzig Medical Center
Classification: Likely pathogenic for Early-infantile DEE. Last evaluated: 2020-07-15. Review status: criteria provided, single submitter. Criteria: ACMG Guidelines, 2015. Collection method: clinical testing. Allele origin: de novo. Affected: yes.
Comment: This variant was identified as de novo (maternity and paternity confirmed).

Literature cited by the submitters: PubMed 33299146.

NM_130811.4(SNAP25):c.72+1G>A

Gene: SNAP25 (synaptosome associated protein 25; plus strand). Cytogenetic location: 20p12.2.
Variant type: single nucleotide variant.
Coding change: c.72+1G>A on transcript NM_130811.4 (MANE Select); the canonical splice donor site of the intron after coding-DNA position 72, G replaced by A.
Molecular consequence: splice donor variant.
Genome position (GRCh38, 1-based): chr20:10,275,564, G>A. VCF-style: chr20-10275564-G-A. GRCh37 (hg19) VCF-style: chr20-10256212-G-A.
Other names: c.72+1G>A (NM_001322907.2, NM_001322910.2, NM_001322904.2 and 7 more transcripts).
Identifiers: ClinVar variation 1285527 (VCV001285527.2), dbSNP rs2123003858, ClinGen allele CA408265304.